The following is an entry in ClinVar:

NM_000218.3(KCNQ1):c.879C>T (p.Arg293=)

Gene: KCNQ1 (potassium voltage-gated channel subfamily Q member 1; plus strand). Cytogenetic location: 11p15.5.
Variant type: single nucleotide variant.
Coding change: c.879C>T on transcript NM_000218.3 (MANE Select); coding-DNA position 879, C replaced by T.
Protein change: p.Arg293=; no amino-acid change (arginine 293 retained).
Molecular consequence: synonymous variant. On other transcripts: intron variant (1).
Genome position (GRCh38, 1-based): chr11:2,572,944, C>T. VCF-style: chr11-2572944-C-T. GRCh37 (hg19) VCF-style: chr11-2594174-C-T.
Other names: c.879C>T, p.Arg293= (NM_001406836.1); c.609C>T, p.Arg203= (NM_001406837.1); c.498C>T, p.Arg166= (NM_181798.2); c.478-10491C>T (NM_001406838.1).
Identifiers: ClinVar variation 923503 (VCV000923503.16), dbSNP rs181106858, ClinGen allele CA041171.

ClinVar aggregate classification (germline): Likely benign. Review status: criteria provided, multiple submitters, no conflicts (2 of 4 stars). 4 submissions from 4 submitters: Likely benign (4). Last evaluated 2024-07-29.

Conditions:
Long QT syndrome (LQTS). Identifiers: MedGen C0023976, MeSH D008133, MONDO:0002442. Disease mechanism: loss of function. Inheritance: Various modes of inheritance.
Cardiovascular phenotype. Identifiers: MedGen CN230736.
Cardiac arrhythmia. Also called: Arrhythmia; Cardiac rhythm disease. Identifiers: MedGen C0003811, MONDO:0007263, HP:0011675.

Allele frequency attached by ClinVar (database versions not stated): TOPMed 0.00001.
gnomAD v4.1: 13 of 1,613,694 alleles (0.00081%); highest among the groups gnomAD compares: East Asian, 0.0022%; no homozygotes.

Submissions (4):

All of Us Research Program, National Institutes of Health
Classification: Likely benign for Long QT syndrome. Last evaluated: 2024-07-29. Review status: criteria provided, single submitter. Criteria: ACMG Guidelines, 2015. Collection method: clinical testing. Allele origin: germline. Inheritance: Autosomal dominant inheritance. Observed: 3 variant alleles, 3 heterozygotes.
Comment: This study involves interpretation of variants in research participants for the purpose of population health screening. Participant phenotype was not available at the time of variant classification. Additional details can be found in publication PMID: 35346344, PMCID: PMC8962531

Labcorp Genetics (formerly Invitae), Labcorp
Classification: Likely benign for Long QT syndrome. Last evaluated: 2023-08-17. Review status: criteria provided, single submitter. Criteria: Invitae Variant Classification Sherloc (09022015). Collection method: clinical testing. Allele origin: germline.

Color Diagnostics, LLC DBA Color Health
Classification: Likely benign for Arrhythmia. Last evaluated: 2019-01-20. Review status: criteria provided, single submitter. Criteria: ACMG Guidelines, 2015. Collection method: clinical testing. Allele origin: germline.

Ambry Genetics
Classification: Likely benign for Cardiovascular phenotype. Last evaluated: 2018-09-02. Review status: criteria provided, single submitter. Criteria: Ambry Variant Classification Scheme 2023. Collection method: clinical testing. Allele origin: germline.